The following is an entry in ClinVar:

NM_016247.4(IMPG2):c.828+6T>G

Gene: IMPG2 (interphotoreceptor matrix proteoglycan 2; minus strand). Cytogenetic location: 3q12.3.
Variant type: single nucleotide variant.
Coding change: c.828+6T>G on transcript NM_016247.4 (MANE Select); 6 bases into the intron after coding-DNA position 828, T replaced by G.
Molecular consequence: intron variant.
Genome position (GRCh38, 1-based): chr3:101,273,575, A>C on the plus strand (T>G on the coding strand, the complement: IMPG2 is on the minus strand). VCF-style: chr3-101273575-A-C. GRCh37 (hg19) VCF-style: chr3-100992419-A-C.
Identifiers: ClinVar variation 4984000 (VCV004984000.1).

ClinVar aggregate classification (germline): Likely benign (1 of 4 stars; one submission).

Conditions:
IMPG2-related disorder. Also called: IMPG2-related condition.

Submission:

PreventionGenetics, part of Exact Sciences
Classification: Likely benign for IMPG2-related condition. Last evaluated: 2024-10-23. Review status: criteria provided, single submitter. Criteria: ACMG Guidelines, 2015. Collection method: clinical testing. Allele origin: germline.
Comment: This variant is classified as likely benign based on ACMG/AMP sequence variant interpretation guidelines (Richards et al. 2015 PMID: 25741868, with internal and published modifications).